The following is an entry in ClinVar:

NM_030665.4(RAI1):c.5296C>T (p.Gln1766Ter)

Gene: RAI1 (retinoic acid induced 1; plus strand). Cytogenetic location: 17p11.2.
Variant type: single nucleotide variant.
Coding change: c.5296C>T on transcript NM_030665.4 (MANE Select); coding-DNA position 5296, C replaced by T.
Protein change: p.Gln1766Ter; replaces glutamine 1766 with a stop codon.
Molecular consequence: nonsense.
Genome position (GRCh38, 1-based): chr17:17,798,244, C>T. VCF-style: chr17-17798244-C-T. GRCh37 (hg19) VCF-style: chr17-17701558-C-T.
Other names: short protein forms Q1766*.
Identifiers: ClinVar variation 3312557 (VCV003312557.2).
Genomic context (GRCh38, chr17:17,798,244, plus strand): 5'-GCAGCTGCCGCCACTGCCGGGAAGCCCCCCAGGCCTGACGGCCCAGCTGACCCGGCCAAG[C>T]AGGGCCCACTGCGCACCAGTGCCCGGGGCCTGTCCCGGAGGCTGCAGAGCTGCTACTGCT-3'

ClinVar aggregate classification (germline): Pathogenic/Likely pathogenic. Review status: criteria provided, multiple submitters, no conflicts (2 of 4 stars). 2 submissions from 2 submitters: Pathogenic (1); Likely pathogenic (1). Last evaluated 2025-11-01.

Conditions:
Inborn genetic diseases. Identifiers: MedGen C0950123, MeSH D030342.
Smith-Magenis syndrome (SMS). Also called: CHROMOSOME 17p11.2 DELETION SYNDROME. Identifiers: Orphanet 819, MedGen C0795864, MONDO:0008434, OMIM 182290.

Submissions (2):

Variantyx, Inc.
Classification: Likely pathogenic for Smith-Magenis syndrome. Last evaluated: 2025-11-01. Review status: criteria provided, single submitter. Criteria: Variantyx Assertion Criteria 2022. Collection method: clinical testing. Allele origin: germline. Inheritance: Autosomal dominant inheritance. Affected: yes.
Comment: This is a nonsense variant in the RAI1 gene (OMIM: 607642). Pathogenic variants in this gene have been associated with autosomal dominant Smith Magenis syndrome. This variant introduces a premature termination codon in exon 3 out of 6 and is expected to result in loss of function, which is a known disease mechanism for RAI1 in this disorder (PMID: 12652298, 15565467, 15788730) (PVS1). This variant is absent from control populations (PM2). Based on the current evidence, this variant is classified as likely pathogenic for autosomal dominant Smith Magenis syndrome.

Ambry Genetics
Classification: Pathogenic for Inborn genetic diseases. Last evaluated: 2024-04-05. Review status: criteria provided, single submitter. Criteria: Ambry Variant Classification Scheme 2023. Collection method: clinical testing. Allele origin: germline.
Comment: The c.5296C>T (p.Q1766*) alteration, located in exon 3 (coding exon 1) of the RAI1 gene, consists of a C to T substitution at nucleotide position 5296. This changes the amino acid from a glutamine (Q) to a stop codon at amino acid position 1766. This alteration is expected to result in loss of function by premature protein truncation or nonsense-mediated mRNA decay. This variant was not reported in population-based cohorts in the Genome Aggregation Database (gnomAD). Based on the available evidence, this alteration is classified as pathogenic.

Literature cited by the submitters: PubMed 12652298 (cited by Variantyx, Inc.); PubMed 15565467 (cited by Variantyx, Inc.); PubMed 15788730 (cited by Variantyx, Inc.).